The following is an entry in ClinVar:

ClinVar aggregate classification (germline): Uncertain significance (1 of 4 stars; one submission).

Conditions:
Generalized epilepsy-paroxysmal dyskinesia syndrome (PNKD3). Also called: Generalized epilepsy and paroxysmal dyskinesia; Paroxysmal nonkinesigenic dyskinesia, 3, with or without generalized epilepsy. Identifiers: Orphanet 79137, MedGen C5574945, MONDO:0012276, OMIM 609446.

Submission:

Labcorp Genetics (formerly Invitae), Labcorp
Classification: Uncertain significance for Generalized epilepsy-paroxysmal dyskinesia syndrome. Last evaluated: 2024-09-30. Review status: criteria provided, single submitter. Criteria: Invitae Variant Classification Sherloc (09022015). Collection method: clinical testing. Allele origin: germline.
Comment: This sequence change replaces alanine, which is neutral and non-polar, with threonine, which is neutral and polar, at codon 360 of the KCNMA1 protein (p.Ala360Thr). This variant is not present in population databases (gnomAD no frequency). This variant has not been reported in the literature in individuals affected with KCNMA1-related conditions. Invitae Evidence Modeling of protein sequence and biophysical properties (such as structural, functional, and spatial information, amino acid conservation, physicochemical variation, residue mobility, and thermodynamic stability) indicates that this missense variant is not expected to disrupt KCNMA1 protein function with a negative predictive value of 80%. In summary, the available evidence is currently insufficient to determine the role of this variant in disease. Therefore, it has been classified as a Variant of Uncertain Significance.

NM_001161352.2(KCNMA1):c.1078G>A (p.Ala360Thr)

Gene: KCNMA1 (potassium calcium-activated channel subfamily M alpha 1; minus strand). Cytogenetic location: 10q22.3.
Variant type: single nucleotide variant.
Coding change: c.1078G>A on transcript NM_001161352.2 (MANE Select); coding-DNA position 1078, G replaced by A.
Protein change: p.Ala360Thr; replaces alanine 360 with threonine.
Molecular consequence: missense variant.
Genome position (GRCh38, 1-based): chr10:77,110,226, C>T on the plus strand (G>A on the coding strand, the complement: KCNMA1 is on the minus strand). VCF-style: chr10-77110226-C-T. GRCh37 (hg19) VCF-style: chr10-78869984-C-T.
Other names: c.1078G>A, p.Ala360Thr (NM_001014797.3, NM_001161353.2, NM_001271519.2 and 8 more transcripts); c.916G>A, p.Ala306Thr (NM_001271518.2); c.538G>A, p.Ala180Thr (NM_001322838.2); short protein forms A180T, A306T, A360T.
Identifiers: ClinVar variation 3688718 (VCV003688718.2).